The following is an entry in ClinVar:

NM_005911.6(MAT2A):c.550-32G>A

Genes: GGCX (gamma-glutamyl carboxylase; minus strand), MAT2A (methionine adenosyltransferase 2A; plus strand). Cytogenetic location: 2p11.2.
Variant type: single nucleotide variant.
Coding change: c.550-32G>A on transcript NM_005911.6 (MANE Select); 32 bases into the intron before coding-DNA position 550, G replaced by A.
Molecular consequence: intron variant.
Genome position (GRCh38, 1-based): chr2:85,542,123, G>A. VCF-style: chr2-85542123-G-A. GRCh37 (hg19) VCF-style: chr2-85769246-G-A.
Identifiers: ClinVar variation 674698 (VCV000674698.2), dbSNP rs1078005, ClinGen allele CA1741449.

ClinVar aggregate classification (germline): Benign. Review status: criteria provided, multiple submitters, no conflicts (2 of 4 stars). 2 submissions from 2 submitters: Benign (2). Last evaluated 2018-06-14.

Allele frequency attached by ClinVar (database versions not stated): gnomAD exomes 0.98642 and 0.98877; ExAC 0.98793; ESP Exome Variant Server 0.98870; gnomAD 0.99031 and 0.99047; TOPMed 0.99167; 1000 Genomes Project 0.99661; 1000 Genomes Project 30x 0.99719.

Submissions (2):

GeneDx
Classification: Benign. Last evaluated: 2018-06-14. Review status: criteria provided, single submitter. Criteria: GeneDx Variant Classification (06012015). Collection method: clinical testing. Allele origin: germline. Affected: yes.
Comment: This variant is considered likely benign or benign based on one or more of the following criteria: it is a conservative change, it occurs at a poorly conserved position in the protein, it is predicted to be benign by multiple in silico algorithms, and/or has population frequency not consistent with disease.

Breakthrough Genomics
Classification: Benign. Review status: criteria provided, single submitter. Criteria: ACMG Guidelines, 2015. Collection method: not provided. Allele origin: germline. Inheritance: Unknown mechanism. Affected: yes.